The following is an entry in ClinVar:

ClinVar aggregate classification (germline): Pathogenic. Review status: reviewed by expert panel (3 of 4 stars). 8 submissions from 8 submitters: Pathogenic (1). 7 of the submissions do not count toward it. Last evaluated 2025-08-15.

Conditions:
Phenylketonuria (PKU). Also called: FOLLING DISEASE; Phenylketonurias; OLIGOPHRENIA PHENYLPYRUVICA; Phenylketonuria (PKU). Identifiers: Orphanet 716, MedGen C0031485, MONDO:0009861, OMIM 261600. Disease mechanism: loss of function.

Allele frequency attached by ClinVar (database versions not stated): gnomAD 0.00001; gnomAD exomes 0.00001 and 0.00002; ExAC 0.00002; TOPMed 0.00002.
gnomAD v4.1: 12 of 1,613,646 alleles (0.00074%); highest among the groups gnomAD compares: Non-Finnish European, 0.001%; no homozygotes.

Submissions (8):

ClinGen PAH Variant Curation Expert Panel
Classification: Pathogenic for Phenylketonuria. Last evaluated: 2025-08-15. Review status: reviewed by expert panel. Criteria: ClinGen PAH ACMG Specifications v1. Collection method: curation. Allele origin: germline. Inheritance: Autosomal recessive inheritance.
Comment: The NM_000277.3(PAH):c.1183G>C variant is PAH is a missense variant predicted to cause substitution of alanine by proline at amino acid 395 (p.Ala395Pro). At least one patient with this variant displayed plasma phenylalanine concentration persistently above 120umol/L (2mg/dL) AND sequencing of genes in the BH4 cofactor metabolism pathway excluded a defect of BH4 cofactor metabolism, which is highly specific for PAH deficiency (PP4_Moderate, PMIDs: 9634518, 12836060). This variant has been detected in at least 5 individuals with Phenylketonuria. All individuals were compound heterozygous for the variant and distinct pathogenic variants in unknown phase (PM3_strong, PMIDs: 17502162, 12836060, 11999982, 7726156). The highest population minor allele frequency in gnomAD v4.1.0 is 0.00001017 in European (non-Finnish), which is lower than the ClinGen PAH Variant Curation Expert Panel threshold (<0.0002) for PM2_Supporting, meeting this criterion (PM2_Supporting). Mutant PAH enzyme activity showed 14-17% enzyme activity in vitro with < 10 benign/pathogenic variant controls, indicating that this variant impacts protein function (PS3_supporting, PMID: 11161839). The computational predictor REVEL gives a score of 0.988, which meets the threshold of 0.932, evidence that correlates with strong impact to PAH function (PP3_Strong). In summary, this variant meets criteria to be classified as pathogenic for PAH. PAH-specific ACMG/AMP criteria applied: PP4_moderate, PM3_strong, PM2_supporting, PS3_supporting, PP3_strong. Version 2.0, 7/16/2024.

CeGaT Center for Human Genetics Tuebingen
Classification: Pathogenic. Last evaluated: 2026-02-01. Review status: criteria provided, single submitter. Criteria: CeGaT Center For Human Genetics Tuebingen Variant Classification Criteria Version 2. Collection method: clinical testing. Allele origin: germline. Affected: yes. Observed: 2 variant alleles. Not counted in ClinVar's aggregate classification.
Comment: PAH: PM3:Very Strong, PM1, PM2, PM5, PP4:Moderate, PS3:Supporting

Labcorp Genetics (formerly Invitae), Labcorp
Classification: Pathogenic for Phenylketonuria. Last evaluated: 2025-12-02. Review status: criteria provided, single submitter. Criteria: Invitae Variant Classification Sherloc (09022015). Collection method: clinical testing. Allele origin: germline. Not counted in ClinVar's aggregate classification.
Comment: This sequence change replaces alanine, which is neutral and non-polar, with proline, which is neutral and non-polar, at codon 395 of the PAH protein (p.Ala395Pro). This variant is present in population databases (rs62516103, gnomAD 0.004%). This missense change has been observed in individual(s) with classic PKU (PMID: 7726156, 11999982, 17502162, 22841515). In at least one individual the data is consistent with being in trans (on the opposite chromosome) from a pathogenic variant. ClinVar contains an entry for this variant (Variation ID: 102547). Invitae Evidence Modeling of protein sequence and biophysical properties (such as structural, functional, and spatial information, amino acid conservation, physicochemical variation, residue mobility, and thermodynamic stability) indicates that this missense variant is expected to disrupt PAH protein function with a positive predictive value of 80%. Experimental studies have shown that this missense change affects PAH function (PMID: 11161839). For these reasons, this variant has been classified as Pathogenic.

Natera, Inc.
Classification: Pathogenic for Phenylketonuria. Last evaluated: 2025-10-06. Review status: criteria provided, single submitter. Criteria: Natera Variant Classification Schema (03/2026). Collection method: clinical testing. Allele origin: germline. Not counted in ClinVar's aggregate classification.
Comment: The c.1183G>C variant in PAH is a missense variant predicted to cause substitution of alanine to proline at amino acid 395. This variant is rare in the general population with a frequency below the threshold expected for the associated phenotype(s). This variant has been observed in one or more individuals affected with the associated recessive disease, as either homozygous or compound heterozygous with a second variant (PMID: 31623983, 26542770, 22841515, 22526846). Given the available evidence, this variant is classified as Pathogenic.

Women's Health and Genetics/Laboratory Corporation of America, LabCorp
Classification: Pathogenic for Phenylketonuria. Last evaluated: 2025-03-05. Review status: criteria provided, single submitter. Criteria: LabCorp Variant Classification Summary - May 2015. Collection method: clinical testing. Allele origin: germline. Not counted in ClinVar's aggregate classification.
Comment: Variant summary: PAH c.1183G>C (p.Ala395Pro) results in a non-conservative amino acid change in the encoded protein sequence. Three of three in-silico tools predict a damaging effect of the variant on protein function. The variant allele was found at a frequency of 2e-05 in 251300 control chromosomes. c.1183G>C has been reported in the literature in multiple individuals affected with Phenylalanine Hydroxylase Deficiency (Phenylketonuria) (e.g., Dobrowolski_2007, Zurfluh_2008, Lassker_2002). A different variant affecting the same codon has been classified as pathogenic by our lab (c.1184C>G, p.Ala395Gly), supporting the critical relevance of codon 395 to PAH protein function. At least one publication reports experimental evidence evaluating an impact on protein function (Zurfluh_2008). The most pronounced variant effect results in 15.5% of normal activity. The following publications have been ascertained in the context of this evaluation (PMID: 17502162, 17935162, 11999982). ClinVar contains an entry for this variant (Variation ID: 102547). Based on the evidence outlined above, the variant was classified as pathogenic.

Illumina Laboratory Services, Illumina
Classification: Pathogenic for Phenylketonuria. Last evaluated: 2023-10-16. Review status: criteria provided, single submitter. Criteria: ICSLVariantClassificationCriteria RUGD 01 April 2020. Collection method: clinical testing. Allele origin: unknown. Not counted in ClinVar's aggregate classification.
Comment: The PAH c.1183G>C p.(Ala395Pro) missense variant has been reported in the literature in at least two individuals with phenylketonuria, in a homozygous state in one individual and in trans with a likely pathogenic variant in another individual (PMID: 30648773; 11999982). Additionally, a different amino acid substitution at the same codon, p.(Ala395Asp), has been reported in another individual with phenylketonuria (PMID: 16256386). This variant is reported in the Genome Aggregation Database in five alleles at a frequency of 0.00004399 in the European (non-Finnish) population (version 2.1.1). Functional studies conducted using recombinant protein demonstrated that this variant reduces enzyme activity (PMID: 30648773). Multiple lines of computational evidence suggest the variant may impact the gene or gene product. Based on the collective evidence the c.1183G>C, p.(Ala395Pro) variant is classified as pathogenic for phenylketonuria.

Baylor Genetics
Classification: Pathogenic for Phenylketonuria. Last evaluated: 2023-07-11. Review status: criteria provided, single submitter. Criteria: ACMG Guidelines, 2015. Collection method: clinical testing. Allele origin: unknown. Not counted in ClinVar's aggregate classification.

DeBelle Laboratory for Biochemical Genetics, MUHC/MCH RESEARCH INSTITUTE
No classification provided. Review status: no classification provided. Collection method: not provided. Allele origin: not provided. Not counted in ClinVar's aggregate classification.

Literature cited by the submitters: PubMed 11161839 (cited by ClinGen PAH Variant Curation Expert Panel and Labcorp Genetics (formerly Invitae), Labcorp); PubMed 9634518 (cited by ClinGen PAH Variant Curation Expert Panel); PubMed 7726156 (cited by Labcorp Genetics (formerly Invitae), Labcorp); PubMed 11999982 (cited by 3 submitters); PubMed 17502162 (cited by Labcorp Genetics (formerly Invitae), Labcorp and Women's Health and Genetics/Laboratory Corporation of America, LabCorp); PubMed 22841515 (cited by Labcorp Genetics (formerly Invitae), Labcorp and Natera, Inc.); PubMed 31623983 (cited by Natera, Inc.); PubMed 26542770 (cited by Natera, Inc.); PubMed 22526846 (cited by Natera, Inc.); PubMed 17935162 (cited by Women's Health and Genetics/Laboratory Corporation of America, LabCorp); PubMed 30648773 (cited by Illumina Laboratory Services, Illumina); PubMed 16256386 (cited by Illumina Laboratory Services, Illumina).

NM_000277.3(PAH):c.1183G>C (p.Ala395Pro)

Gene: PAH (phenylalanine hydroxylase; minus strand). Cytogenetic location: 12q23.2.
Variant type: single nucleotide variant.
Coding change: c.1183G>C on transcript NM_000277.3 (MANE Select); coding-DNA position 1183, G replaced by C.
Protein change: p.Ala395Pro; replaces alanine 395 with proline.
Molecular consequence: missense variant.
Genome position (GRCh38, 1-based): chr12:102,843,662, C>G on the plus strand (G>C on the coding strand, the complement: PAH is on the minus strand). VCF-style: chr12-102843662-C-G. GRCh37 (hg19) VCF-style: chr12-103237440-C-G.
Other names: NM_000277.1(PAH):c.1183G>C; c.1183G>C, p.Ala395Pro (NM_001354304.2); c.1183G>C (NM_000277.2); short protein forms A395P.
Identifiers: ClinVar variation 102547 (VCV000102547.21), dbSNP rs62516103, ClinGen allele CA229373.